The following is an entry in ClinVar:

ClinVar aggregate classification (germline): Uncertain significance. Review status: criteria provided, multiple submitters, no conflicts (2 of 4 stars). 4 submissions from 4 submitters: Uncertain significance (4). Last evaluated 2025-06-09.

Conditions:
Inborn genetic diseases. Identifiers: MedGen C0950123, MeSH D030342.
Developmental and epileptic encephalopathy, 18 (DEE18). Also called: Early infantile epileptic encephalopathy 18. Identifiers: Orphanet 369894, MedGen C3809624, MONDO:0014201, OMIM 615476.

Allele frequency attached by ClinVar (database versions not stated): gnomAD 0.00001; gnomAD exomes 0.00001 and 0.00004; ExAC 0.00002; TOPMed 0.00002.
gnomAD v4.1: 10 of 1,613,748 alleles (0.00062%); highest among the groups gnomAD compares: East Asian, 0.02%; no homozygotes.

Submissions (4):

GeneDx
Classification: Uncertain significance. Last evaluated: 2025-06-09. Review status: criteria provided, single submitter. Criteria: GeneDx Variant Classification Process June 2021. Collection method: clinical testing. Allele origin: germline. Affected: yes.
Comment: In silico analysis suggests that this missense variant does not alter protein structure/function; Has not been previously published as pathogenic or benign to our knowledge

Ambry Genetics
Classification: Uncertain significance for Inborn genetic diseases. Last evaluated: 2023-07-25. Review status: criteria provided, single submitter. Criteria: Ambry Variant Classification Scheme 2023. Collection method: clinical testing. Allele origin: germline.

Genome-Nilou Lab
Classification: Uncertain significance for Developmental and epileptic encephalopathy, 18. Last evaluated: 2023-04-11. Review status: criteria provided, single submitter. Criteria: ACMG Guidelines, 2015. Collection method: clinical testing. Allele origin: germline. Affected: no.

Labcorp Genetics (formerly Invitae), Labcorp
Classification: Uncertain significance. Last evaluated: 2022-01-12. Review status: criteria provided, single submitter. Criteria: Invitae Variant Classification Sherloc (09022015). Collection method: clinical testing. Allele origin: germline.
Comment: This variant is present in population databases (rs758835465, gnomAD 0.06%). This sequence change replaces proline, which is neutral and non-polar, with alanine, which is neutral and non-polar, at codon 2876 of the SZT2 protein (p.Pro2876Ala). This variant has not been reported in the literature in individuals affected with SZT2-related conditions. Algorithms developed to predict the effect of missense changes on protein structure and function are either unavailable or do not agree on the potential impact of this missense change (SIFT: "Tolerated"; PolyPhen-2: "Possibly Damaging"; Align-GVGD: "Class C0"). Algorithms developed to predict the effect of sequence changes on RNA splicing suggest that this variant may create or strengthen a splice site. In summary, the available evidence is currently insufficient to determine the role of this variant in disease. Therefore, it has been classified as a Variant of Uncertain Significance.

NM_001365999.1(SZT2):c.8797C>G (p.Pro2933Ala)

Gene: SZT2 (SZT2 subunit of KICSTOR complex; plus strand). Cytogenetic location: 1p34.2.
Variant type: single nucleotide variant.
Coding change: c.8797C>G on transcript NM_001365999.1 (MANE Select); coding-DNA position 8797, C replaced by G.
Protein change: p.Pro2933Ala; replaces proline 2933 with alanine.
Molecular consequence: missense variant.
Genome position (GRCh38, 1-based): chr1:43,443,768, C>G. VCF-style: chr1-43443768-C-G. GRCh37 (hg19) VCF-style: chr1-43909439-C-G.
Other names: c.8626C>G (NM_015284.3); c.8626C>G, p.Pro2876Ala (NM_015284.4); short protein forms P2876A, P2933A.
Identifiers: ClinVar variation 1438569 (VCV001438569.11), dbSNP rs758835465, ClinGen allele CA810671.
Genomic context (GRCh38, chr1:43,443,768, plus strand): 5'-AGCTTGGCTTTCCTGCAGCAATATGTGCAGTATCTGCAGAGCATAGGTTTTGTGCTGGTA[C>G]CACTGCGGCCCCCCTCACCCGCCCGCAGGTGAGCCCGTCCCTGTTTTCCCTTCTGTCTTC-3'
Protein context (NP_001352928.1, residues 2923-2943): YLQSIGFVLV[Pro2933Ala]LRPPSPARST